The following is an entry in ClinVar:

ClinVar aggregate classification (germline): Pathogenic/Likely pathogenic. Review status: criteria provided, multiple submitters, no conflicts (2 of 4 stars). 4 submissions from 4 submitters: Pathogenic (1); Likely pathogenic (3). Last evaluated 2024-03-21.

Conditions:
Arthrogryposis multiplex congenita 6. Identifiers: MedGen C5543431, MONDO:0030281, OMIM 619334.
Nemaline myopathy 2 (NEM2). Also called: Nemaline myopathy 2, autosomal recessive. Identifiers: MedGen C1850569, MONDO:0009725, OMIM 256030.

Submissions (4):

Natera, Inc.
Classification: Likely pathogenic for Nemaline myopathy type 2. Last evaluated: 2024-03-21. Review status: criteria provided, single submitter. Criteria: Natera Variant Classification Schema (03/2026). Collection method: clinical testing. Allele origin: germline.
Comment: The c.24103_24106dupCTCA variant in NEB is a frameshift variant predicted to shift the reading frame beginning at codon 8036 and leads to a stop codon 7 codons downstream. This variant is expected to result in nonsense mediated decay, truncation, or a dysfunctional protein product. This variant is rare in the general population with a frequency below the threshold expected for the associated phenotype(s). Given the available evidence, this variant is classified as Likely Pathogenic.

Labcorp Genetics (formerly Invitae), Labcorp
Classification: Pathogenic for Nemaline myopathy 2. Last evaluated: 2023-07-22. Review status: criteria provided, single submitter. Criteria: Invitae Variant Classification Sherloc (09022015). Collection method: clinical testing. Allele origin: germline.
Comment: This sequence change creates a premature translational stop signal (p.Asn8036Thrfs*7) in the NEB gene. It is expected to result in an absent or disrupted protein product. Loss-of-function variants in NEB are known to be pathogenic (PMID: 25205138). This variant is present in population databases (rs748550315, gnomAD 0.004%). This variant has not been reported in the literature in individuals affected with NEB-related conditions. ClinVar contains an entry for this variant (Variation ID: 1356551). Algorithms developed to predict the effect of sequence changes on RNA splicing suggest that this variant may disrupt the consensus splice site. For these reasons, this variant has been classified as Pathogenic.

Baylor Genetics
Classification: Likely pathogenic for Arthrogryposis multiplex congenita 6. Last evaluated: 2023-06-24. Review status: criteria provided, single submitter. Criteria: ACMG Guidelines, 2015. Collection method: clinical testing. Allele origin: unknown.

Juno Genomics, Hangzhou Juno Genomics, Inc
Classification: Likely pathogenic for Nemaline myopathy 2; Arthrogryposis multiplex congenita 6. Review status: criteria provided, single submitter. Criteria: ACMG Guidelines, 2015. Collection method: clinical testing. Allele origin: germline.
Comment: Absent from controls (or at extremely low frequency if recessive) in Genome Aggregation Database.;Null variant in a gene where loss of function (LOF) is a known mechanism of disease.

Literature cited by the submitters: PubMed 25205138 (cited by Labcorp Genetics (formerly Invitae), Labcorp).

NM_001164508.2(NEB):c.23998_24001dup (p.Asn8001fs)

Genes: NEB (nebulin; minus strand), RIF1 (replication timing regulatory factor 1; plus strand). Cytogenetic location: 2q23.3.
Variant type: Duplication.
Coding change: c.23998_24001dup on transcript NM_001164508.2 (MANE Select); coding-DNA positions 23998 to 24001, 4 bases duplicated (CTCA; older notation c.23998_24001dupCTCA).
Protein change: p.Asn8001fs; shifts the reading frame from asparagine 8001.
Molecular consequence: frameshift variant. On other transcripts: intron variant (1).
Genome position (GRCh38, 1-based): chr2:151,501,411-151,501,414, TGAG duplicated on the plus strand (CTCA on the coding strand, the reverse complement: NEB is on the minus strand); duplicating any 4 consecutive bases within chr2:151,501,411-151,501,415 gives the same sequence; the c. name uses the placement nearest the transcript's 3' end. VCF-style (leftmost placement, unchanged base first): chr2-151501410-T-TTGAG. GRCh37 (hg19) VCF-style: chr2-152357924-T-TTGAG.
Other names: c.23998_24001dup, p.Asn8001fs (NM_001164507.2); c.24103_24106dup, p.Asn8036fs (NM_001271208.2); c.18825+1379_18825+1382dup (NM_004543.5); c.24103_24106dup (NM_001271208.1); c.24103_24106dupCTCA (NM_001271208.1); short protein forms N8001fs, N8036fs.
Identifiers: ClinVar variation 1356551 (VCV001356551.10), dbSNP rs748550315, ClinGen allele CA1906172.